The following is an entry in ClinVar:

NM_025074.7(FRAS1):c.7391A>G (p.Lys2464Arg)

Gene: FRAS1 (Fraser extracellular matrix complex subunit 1; plus strand). Cytogenetic location: 4q21.21.
Variant type: single nucleotide variant.
Coding change: c.7391A>G on transcript NM_025074.7 (MANE Select); coding-DNA position 7391, A replaced by G.
Protein change: p.Lys2464Arg; replaces lysine 2464 with arginine.
Molecular consequence: missense variant.
Genome position (GRCh38, 1-based): chr4:78,472,199, A>G. VCF-style: chr4-78472199-A-G. GRCh37 (hg19) VCF-style: chr4-79393353-A-G.
Other names: short protein forms K2464R.
Identifiers: ClinVar variation 3626035 (VCV003626035.2).

ClinVar aggregate classification (germline): Uncertain significance (1 of 4 stars; one submission).

gnomAD v4.1: 59 of 1,613,856 alleles (0.0037%); highest among the groups gnomAD compares: South Asian, 0.0055%; no homozygotes.

Submission:

Labcorp Genetics (formerly Invitae), Labcorp
Classification: Uncertain significance. Last evaluated: 2025-12-24. Review status: criteria provided, single submitter. Criteria: Invitae Variant Classification Sherloc (09022015). Collection method: clinical testing. Allele origin: germline.
Comment: This sequence change replaces lysine, which is basic and polar, with arginine, which is basic and polar, at codon 2464 of the FRAS1 protein (p.Lys2464Arg). This variant is present in population databases (rs370490831, gnomAD 0.1%). This variant has not been reported in the literature in individuals affected with FRAS1-related conditions. ClinVar contains an entry for this variant (Variation ID: 3626035). Invitae Evidence Modeling of protein sequence and biophysical properties (such as structural, functional, and spatial information, amino acid conservation, physicochemical variation, residue mobility, and thermodynamic stability) indicates that this missense variant is not expected to disrupt FRAS1 protein function with a negative predictive value of 80%. In summary, the available evidence is currently insufficient to determine the role of this variant in disease. Therefore, it has been classified as a Variant of Uncertain Significance.